The following is an entry in ClinVar:

NR_003051.4(RMRP):n.146C>T

Gene: RMRP (RNA component of mitochondrial RNA processing endoribonuclease; minus strand). Cytogenetic location: 9p13.3.
Variant type: single nucleotide variant.
Genome position: GRCh38 VCF-style: chr9-35657874-G-A. GRCh37 (hg19) VCF-style: chr9-35657871-G-A.
Identifiers: ClinVar variation 533762 (VCV000533762.7), dbSNP rs759632477, ClinGen allele CA192745604.

ClinVar aggregate classification (germline): Uncertain significance. Review status: criteria provided, single submitter (1 of 4 stars). 3 submissions from 3 submitters: Uncertain significance (1). 2 of the submissions do not count toward it. Last evaluated 2021-04-22.

Conditions:
Metaphyseal chondrodysplasia, McKusick type (CHH). Also called: Cartilage-Hair Hypoplasia (CHH); Cartilage-hair hypoplasia. Identifiers: Orphanet 175, MedGen C0220748, MONDO:0009595, OMIM 250250.
Anauxetic dysplasia. Identifiers: Orphanet 93347, MedGen C1846796, MONDO:0011773.

Allele frequency attached by ClinVar (database versions not stated): gnomAD 0.00003; gnomAD exomes 0.00006 and 0.00008; TOPMed 0.00008.
gnomAD v4.1: 41 of 694,148 alleles (0.0059%); highest among the groups gnomAD compares: Non-Finnish European, 0.0081%; no homozygotes.

Submissions (3):

Labcorp Genetics (formerly Invitae), Labcorp
Classification: Uncertain significance for Anauxetic dysplasia. Last evaluated: 2021-04-22. Review status: criteria provided, single submitter. Criteria: Invitae Variant Classification Sherloc (09022015). Collection method: clinical testing. Allele origin: germline.
Comment: This variant occurs in the RMRP gene, which encodes an RNA molecule that does not result in a protein product. The frequency data for this variant in the population databases is considered unreliable, as metrics indicate insufficient coverage at this position in the ExAC database. This variant has not been reported in the literature in individuals with RMRP-related conditions. Experimental studies and prediction algorithms are not available for this variant, and the functional significance of this non-coding change is currently unknown. In summary, the available evidence is currently insufficient to determine the role of this variant in disease. Therefore, it has been classified as a Variant of Uncertain Significance.

Natera, Inc.
Classification: Uncertain significance for Cartilage-hair hypoplasia. Last evaluated: 2020-09-16. Review status: no assertion criteria provided. Collection method: clinical testing. Allele origin: germline. Not counted in ClinVar's aggregate classification.

Counsyl
Classification: Uncertain significance for Metaphyseal chondrodysplasia, McKusick type. Last evaluated: 2018-04-02. Review status: no assertion criteria provided. Collection method: clinical testing. Allele origin: unknown. Not counted in ClinVar's aggregate classification.